The following is an entry in ClinVar:

NM_001374736.1(DST):c.22642T>A (p.Trp7548Arg)

Gene: DST (dystonin; minus strand). Cytogenetic location: 6p12.1.
Variant type: single nucleotide variant.
Coding change: c.22642T>A on transcript NM_001374736.1 (MANE Select); coding-DNA position 22642, T replaced by A.
Protein change: p.Trp7548Arg; replaces tryptophan 7548 with arginine.
Molecular consequence: missense variant.
Genome position (GRCh38, 1-based): chr6:56,466,123, A>T on the plus strand (T>A on the coding strand, the complement: DST is on the minus strand). VCF-style: chr6-56466123-A-T. GRCh37 (hg19) VCF-style: chr6-56330921-A-T.
Other names: c.16285T>A, p.Trp5429Arg (NM_001144769.5); c.15871T>A, p.Trp5291Arg (NM_001144770.2); c.22642T>A, p.Trp7548Arg (NM_001374722.1); c.21682T>A, p.Trp7228Arg (NM_001374729.1); c.15424T>A, p.Trp5142Arg (NM_001374730.1); c.22669T>A, p.Trp7557Arg (NM_001374734.1); c.15733T>A, p.Trp5245Arg (NM_001386100.1); c.14773T>A, p.Trp4925Arg (NM_015548.5); and 1 more; short protein forms W4925R, W5142R, W5245R, W5251R, W5291R, W5429R, W7228R, W7548R.
Identifiers: ClinVar variation 1007611 (VCV001007611.7), dbSNP rs2094566911, ClinGen allele CA364505408.
Genomic context (GRCh38, chr6:56,466,123, plus strand): 5'-TAAGCATCTCCTTACCCCTGCAAGGATCATTTTTCACTAAGAACTCATCAAGTGCCATCC[A>T]TCCACCTCCAACACGAACCATCACAGTACTCCGCAGGATCCGGACCAGTCGCAGTTGCTG-3'
Protein context (NP_001361665.1, residues 7538-7558): STVMVRVGGG[Trp7548Arg]MALDEFLVKN

ClinVar aggregate classification (germline): Uncertain significance (1 of 4 stars; one submission).

Conditions:
Epidermolysis bullosa simplex 3, localized or generalized intermediate, with BP230 deficiency (EBS3). Also called: Epidermolysis bullosa simplex due to BP230 deficiency; Epidermolysis bullosa simplex, autosomal recessive 2. Identifiers: Orphanet 412181, MedGen C3809470, MONDO:0014180, OMIM 615425.
Hereditary sensory and autonomic neuropathy type 6. Also called: HSAN VI; Neuropathy, hereditary sensory and autonomic, type VI. Identifiers: Orphanet 314381, MedGen C3539003, MONDO:0013839, OMIM 614653.

Submission:

Labcorp Genetics (formerly Invitae), Labcorp
Classification: Uncertain significance for Epidermolysis bullosa simplex 3, localized or generalized intermediate, with BP230 deficiency; Hereditary sensory and autonomic neuropathy type 6. Last evaluated: 2020-07-14. Review status: criteria provided, single submitter. Criteria: Invitae Variant Classification Sherloc (09022015). Collection method: clinical testing. Allele origin: germline.
Comment: This sequence change replaces tryptophan with arginine at codon 4925 of the DST protein (p.Trp4925Arg). The tryptophan residue is highly conserved conserved and there is a moderate physicochemical difference between the two amino acids. The DST gene has multiple clinically relevant transcripts. This variant occurs in alternate transcript NM_015548.4, and corresponds to NM_001723.5:c.*149394T>A in the primary transcript. This variant is not present in population databases (ExAC no frequency). This variant has not been reported in the literature in individuals with DST-related conditions. Experimental studies and prediction algorithms are not available or were not evaluated, and the functional significance of this variant is currently unknown. In summary, the available evidence is currently insufficient to determine the role of this variant in disease. Therefore, it has been classified as a Variant of Uncertain Significance.